The following is an entry in ClinVar:

ClinVar aggregate classification (germline): Uncertain significance. Review status: criteria provided, multiple submitters, no conflicts (2 of 4 stars). 2 submissions from 2 submitters: Uncertain significance (2). Last evaluated 2025-11-18.

Conditions:
Hereditary cancer-predisposing syndrome. Also called: Neoplastic Syndromes, Hereditary; Tumor predisposition; Hereditary Cancer Syndrome; Hereditary neoplastic syndrome. Identifiers: Orphanet 140162, MedGen C0027672, MeSH D009386, MONDO:0015356.
Familial cancer of breast. Also called: BREAST CANCER, FAMILIAL; hereditary breast carcinoma; Hereditary breast cancer. Identifiers: Orphanet 227535, MedGen C0346153, MONDO:0016419, OMIM 114480. Disease mechanism: loss of function.

Submissions (2):

Labcorp Genetics (formerly Invitae), Labcorp
Classification: Uncertain significance for Familial cancer of breast. Last evaluated: 2025-11-18. Review status: criteria provided, single submitter. Criteria: Invitae Variant Classification Sherloc (09022015). Collection method: clinical testing. Allele origin: germline.
Comment: This sequence change replaces serine, which is neutral and polar, with arginine, which is basic and polar, at codon 220 of the PALB2 protein (p.Ser220Arg). This variant is not present in population databases (gnomAD no frequency). This variant has not been reported in the literature in individuals affected with PALB2-related conditions. ClinVar contains an entry for this variant (Variation ID: 1754338). An algorithm developed to predict the effect of missense changes on protein structure and function outputs the following: PolyPhen-2: "Benign". The arginine amino acid residue is found in multiple mammalian species, which suggests that this missense change does not adversely affect protein function. In summary, the available evidence is currently insufficient to determine the role of this variant in disease. Therefore, it has been classified as a Variant of Uncertain Significance.

Ambry Genetics
Classification: Uncertain significance for Hereditary cancer-predisposing syndrome. Last evaluated: 2024-07-18. Review status: criteria provided, single submitter. Criteria: Ambry Variant Classification Scheme 2023. Collection method: clinical testing. Allele origin: germline.
Comment: The p.S220R variant (also known as c.658A>C), located in coding exon 4 of the PALB2 gene, results from an A to C substitution at nucleotide position 658. The serine at codon 220 is replaced by arginine, an amino acid with dissimilar properties. This amino acid position is conserved. In addition, this alteration is predicted to be tolerated by in silico analysis. Since supporting evidence is limited at this time, the clinical significance of this alteration remains unclear.

NM_024675.4(PALB2):c.658A>C (p.Ser220Arg)

Gene: PALB2 (partner and localizer of BRCA2; minus strand). Cytogenetic location: 16p12.2.
Variant type: single nucleotide variant.
Coding change: c.658A>C on transcript NM_024675.4 (MANE Select); coding-DNA position 658, A replaced by C.
Protein change: p.Ser220Arg; replaces serine 220 with arginine.
Molecular consequence: missense variant.
Genome position (GRCh38, 1-based): chr16:23,635,888, T>G on the plus strand (A>C on the coding strand, the complement: PALB2 is on the minus strand). VCF-style: chr16-23635888-T-G. GRCh37 (hg19) VCF-style: chr16-23647209-T-G.
Other names: c.598A>C, p.Ser200Arg (NM_001407296.1); c.658A>C, p.Ser220Arg (NM_001407297.1, NM_001407298.1, NM_001407299.1 and 3 more transcripts); c.-228A>C (NM_001407304.1, NM_001407305.1, NM_001407306.1 and 5 more transcripts); short protein forms S200R, S220R.
Identifiers: ClinVar variation 1754338 (VCV001754338.4), dbSNP rs2142438155, ClinGen allele CA395136473.